The following is an entry in ClinVar:

ClinVar aggregate classification (germline): Likely pathogenic (1 of 4 stars; one submission).

gnomAD v4.1: 2 of 1,614,168 alleles (0.00012%); highest among the groups gnomAD compares: East Asian, 0.0045%; no homozygotes.

Submission:

Labcorp Genetics (formerly Invitae), Labcorp
Classification: Likely pathogenic. Last evaluated: 2025-06-09. Review status: criteria provided, single submitter. Criteria: Invitae Variant Classification Sherloc (09022015). Collection method: clinical testing. Allele origin: germline.
Comment: This sequence change affects an acceptor splice site in intron 11 of the CEP250 gene. It is expected to disrupt RNA splicing. Variants that disrupt the donor or acceptor splice site typically lead to a loss of protein function (PMID: 16199547), and loss-of-function variants in CEP250 are known to be pathogenic (PMID: 24780881, 29718797). This variant is present in population databases (no rsID available, gnomAD 0.01%). This variant has not been reported in the literature in individuals affected with CEP250-related conditions. Algorithms developed to predict the effect of sequence changes on RNA splicing suggest that this variant may disrupt the consensus splice site. In summary, the currently available evidence indicates that the variant is pathogenic, but additional data are needed to prove that conclusively. Therefore, this variant has been classified as Likely Pathogenic.

Literature cited by the submitters: PubMed 16199547; PubMed 24780881; PubMed 29718797.

NM_007186.6(CEP250):c.1051-1G>C

Genes: CEP250 (centrosomal protein 250; plus strand), CEP250-AS1 (CEP250 antisense RNA 1; minus strand). Cytogenetic location: 20q11.22.
Variant type: single nucleotide variant.
Coding change: c.1051-1G>C on transcript NM_007186.6 (MANE Select); the canonical splice acceptor site of the intron before coding-DNA position 1051, G replaced by C.
Molecular consequence: splice acceptor variant. On other transcripts: non-coding transcript variant (7).
Genome position (GRCh38, 1-based): chr20:35,472,672, G>C. VCF-style: chr20-35472672-G-C. GRCh37 (hg19) VCF-style: chr20-34060497-G-C.
Other names: c.-849-1G>C (NM_001318219.1).
Identifiers: ClinVar variation 4798037 (VCV004798037.1).